The following is an entry in ClinVar:

NM_021615.5(CHST6):c.805del (p.Arg269fs)

Gene: CHST6 (carbohydrate sulfotransferase 6; minus strand). Cytogenetic location: 16q23.1.
Variant type: Deletion.
Coding change: c.805del on transcript NM_021615.5 (MANE Select); coding-DNA position 805, one base deleted (C; older notation c.805delC).
Protein change: p.Arg269fs; shifts the reading frame from arginine 269.
Molecular consequence: frameshift variant.
Genome position (GRCh38, 1-based): chr16:75,479,024, G deleted on the plus strand (C on the coding strand, the reverse complement: CHST6 is on the minus strand); the first of 2 consecutive G bases (chr16:75,479,024-75,479,025); deleting either gives the same sequence. VCF-style (leftmost placement, unchanged base first): chr16-75479023-CG-C. GRCh37 (hg19) VCF-style: chr16-75512921-CG-C.
Other names: short protein forms R269fs.
Identifiers: ClinVar variation 3581252 (VCV003581252.5).

ClinVar aggregate classification (germline): Conflicting classifications of pathogenicity. Review status: criteria provided, conflicting classifications (1 of 4 stars). 3 submissions from 3 submitters: Pathogenic (1); Likely pathogenic (1); Uncertain significance (1). Last evaluated 2025-08-19.

Conditions:
Macular corneal dystrophy (MCD). Also called: GROENOUW TYPE II CORNEAL DYSTROPHY; Macular corneal dystrophy Type I. Identifiers: Orphanet 98969, MedGen C1636149, MONDO:0009020, OMIM 217800.

Submissions (3):

Dasa
Classification: Uncertain significance. Last evaluated: 2025-08-19. Review status: criteria provided, single submitter. Criteria: DASA Assertion Criteria. Collection method: clinical testing. Allele origin: germline.
Comment: NM_021615.5(CHST6):c.805del (p.Arg269Alafs*112) is a frameshift variant in CHST6 predicted to alter the reading frame and introduce a premature termination codon and is predicted to result in an absent or altered protein product. This variant is rare in population databases. The currently available literature and clinical evidence are not sufficient to establish a definitive association between this variant and the reported condition. Therefore, this variant is classified as a variant of uncertain significance.

Labcorp Genetics (formerly Invitae), Labcorp
Classification: Pathogenic for Macular corneal dystrophy. Last evaluated: 2024-05-07. Review status: criteria provided, single submitter. Criteria: Invitae Variant Classification Sherloc (09022015). Collection method: clinical testing. Allele origin: germline.
Comment: This sequence change creates a premature translational stop signal (p.Arg269Alafs*112) in the CHST6 gene. While this is not anticipated to result in nonsense mediated decay, it is expected to disrupt the last 127 amino acid(s) of the CHST6 protein. This variant is not present in population databases (gnomAD no frequency). This variant has not been reported in the literature in individuals affected with CHST6-related conditions. This variant disrupts a region of the CHST6 protein in which other variant(s) (p.Trp333Arg) have been determined to be pathogenic (PMID: 32472422, 35985662; Invitae). This suggests that this is a clinically significant region of the protein, and that variants that disrupt it are likely to be disease-causing. For these reasons, this variant has been classified as Pathogenic.

Fulgent Genetics
Classification: Likely pathogenic for Macular corneal dystrophy. Last evaluated: 2024-04-25. Review status: criteria provided, single submitter. Criteria: ACMG Guidelines, 2015. Collection method: clinical testing. Allele origin: germline.

Literature cited by the submitters: PubMed 32472422 (cited by Labcorp Genetics (formerly Invitae), Labcorp); PubMed 35985662 (cited by Labcorp Genetics (formerly Invitae), Labcorp).